The following is an entry in ClinVar:

ClinVar aggregate classification (germline): Uncertain significance. Review status: criteria provided, multiple submitters, no conflicts (2 of 4 stars). 2 submissions from 2 submitters: Uncertain significance (2). Last evaluated 2024-12-12.

Conditions:
Epilepsy, childhood absence, susceptibility to, 5. Identifiers: Orphanet 64280, MedGen C2677087, MONDO:0012843, OMIM 612269.
Epilepsy, childhood absence, susceptibility to, 1. Also called: Epilepsy, childhood absence 1. Identifiers: Orphanet 64280, MedGen C1838604, MONDO:0020759, OMIM 600131.

Submissions (2):

Greenwood Genetic Center Diagnostic Laboratories, Greenwood Genetic Center
Classification: Uncertain significance. Last evaluated: 2024-12-12. Review status: criteria provided, single submitter. Criteria: ACMG Guidelines, 2015. Collection method: clinical testing. Allele origin: germline. Affected: yes.
Comment: PM2, PP3

Labcorp Genetics (formerly Invitae), Labcorp
Classification: Uncertain significance for Epilepsy, childhood absence, susceptibility to, 5; Epilepsy, childhood absence, susceptibility to, 1. Last evaluated: 2022-06-20. Review status: criteria provided, single submitter. Criteria: Invitae Variant Classification Sherloc (09022015). Collection method: clinical testing. Allele origin: germline.
Comment: This variant is not present in population databases (gnomAD no frequency). This variant has not been reported in the literature in individuals affected with GABRB3-related conditions. Variants that disrupt the consensus splice site are a relatively common cause of aberrant splicing (PMID: 17576681, 9536098). Algorithms developed to predict the effect of sequence changes on RNA splicing suggest that this variant may disrupt the consensus splice site. In summary, the available evidence is currently insufficient to determine the role of this variant in disease. Therefore, it has been classified as a Variant of Uncertain Significance. This sequence change falls in intron 2 of the GABRB3 gene. It does not directly change the encoded amino acid sequence of the GABRB3 protein. It affects a nucleotide within the consensus splice site.

Literature cited by the submitters: PubMed 17576681 (cited by Labcorp Genetics (formerly Invitae), Labcorp); PubMed 9536098 (cited by Labcorp Genetics (formerly Invitae), Labcorp).

NM_000814.6(GABRB3):c.172+3_172+6del

Gene: GABRB3 (gamma-aminobutyric acid type A receptor subunit beta3; minus strand). Cytogenetic location: 15q12.
Variant type: Deletion.
Coding change: c.172+3_172+6del on transcript NM_000814.6 (MANE Select); bases 3 to 6 of the intron after coding-DNA position 172, 4 bases deleted (AAGT; older notation c.172+3_172+6delAAGT).
Molecular consequence: splice donor variant.
Genome position (GRCh38, 1-based): chr15:26,772,675-26,772,678, ACTT deleted on the plus strand (AAGT on the coding strand, the reverse complement: GABRB3 is on the minus strand); deleting any 4 consecutive bases within chr15:26,772,675-26,772,680 gives the same sequence; the c. name uses the placement nearest the transcript's 3' end. VCF-style (leftmost placement, unchanged base first): chr15-26772674-CACTT-C. GRCh37 (hg19) VCF-style: chr15-27017821-CACTT-C.
Other names: c.172+3_172+6del (NM_021912.5); c.-180+3_-180+6del (NM_001278631.2).
Identifiers: ClinVar variation 1467888 (VCV001467888.7), dbSNP rs2140199548, ClinGen allele CA2573150556.